The following is an entry in ClinVar:

NM_022370.4(ROBO3):c.767-2_778del

Gene: ROBO3 (roundabout guidance receptor 3; plus strand). Cytogenetic location: 11q24.2.
Variant type: Deletion.
Coding change: c.767-2_778del on transcript NM_022370.4 (MANE Select); the canonical splice acceptor site of the intron before coding-DNA position 767 through coding-DNA position 778, 14 bases deleted (AGAGCGTCCCTCAT).
Molecular consequence: splice acceptor variant.
Genome position (GRCh38, 1-based): chr11:124,870,163-124,870,176, AGAGCGTCCCTCAT deleted; deleting any 14 consecutive bases within chr11:124,870,160-124,870,176 gives the same sequence; the c. name uses the placement nearest the transcript's 3' end. VCF-style (leftmost placement, unchanged base first): chr11-124870159-CCATAGAGCGTCCCT-C. GRCh37 (hg19) VCF-style: chr11-124740055-CCATAGAGCGTCCCT-C.
Identifiers: ClinVar variation 3391490 (VCV003391490.1).
Genomic context (GRCh38, chr11:124,870,159, plus strand): 5'-ACAGGTAGCCTGCAGAGTAAGTAGCCGTGCAGACACCCTGACTGTTCACTCACTACCACT[CCATAGAGCGTCCCT>C]CATTCCTGCGCAGACCAGTGAATCAGGTGGTCCTGGCTGATGCCCCTGTGACTTTCCTAT-3'

ClinVar aggregate classification (germline): Pathogenic (1 of 4 stars; one submission).

Submission:

GeneDx
Classification: Pathogenic. Last evaluated: 2023-07-27. Review status: criteria provided, single submitter. Criteria: GeneDx Variant Classification Process June 2021. Collection method: clinical testing. Allele origin: germline. Affected: yes.
Comment: Canonical splice site variant predicted to result in a null allele in a gene for which loss-of-function is a known mechanism of disease; Not observed at significant frequency in large population cohorts (gnomAD); This variant is associated with the following publications: (PMID: 35254960)